The following is an entry in ClinVar:

NM_006158.5(NEFL):c.1412C>G (p.Pro471Arg)

Gene: NEFL (neurofilament light chain; minus strand). Cytogenetic location: 8p21.2.
Variant type: single nucleotide variant.
Coding change: c.1412C>G on transcript NM_006158.5 (MANE Select); coding-DNA position 1412, C replaced by G.
Protein change: p.Pro471Arg; replaces proline 471 with arginine.
Molecular consequence: missense variant.
Genome position (GRCh38, 1-based): chr8:24,953,553, G>C on the plus strand (C>G on the coding strand, the complement: NEFL is on the minus strand). VCF-style: chr8-24953553-G-C. GRCh37 (hg19) VCF-style: chr8-24811067-G-C.
Other names: short protein forms P471R.
Identifiers: ClinVar variation 1939559 (VCV001939559.5), dbSNP rs756696405, ClinGen allele CA370619986.

ClinVar aggregate classification (germline): Uncertain significance (1 of 4 stars; one submission).

Conditions:
Charcot-Marie-Tooth disease type 2E (CMT2E). Also called: CHARCOT-MARIE-TOOTH DISEASE, AXONAL, TYPE 2E; CHARCOT-MARIE-TOOTH NEUROPATHY, TYPE 2E. Identifiers: Orphanet 99939, MedGen C1843225, MONDO:0011894, OMIM 607684.

gnomAD v4.1: 2 of 1,613,750 alleles (0.00012%); highest among the groups gnomAD compares: Non-Finnish European, 0.000085%; no homozygotes.

Submission:

Labcorp Genetics (formerly Invitae), Labcorp
Classification: Uncertain significance for Charcot-Marie-Tooth disease type 2E. Last evaluated: 2022-10-01. Review status: criteria provided, single submitter. Criteria: Invitae Variant Classification Sherloc (09022015). Collection method: clinical testing. Allele origin: germline.
Comment: In summary, the available evidence is currently insufficient to determine the role of this variant in disease. Therefore, it has been classified as a Variant of Uncertain Significance. Experimental studies and prediction algorithms are not available or were not evaluated, and the functional significance of this variant is currently unknown. This variant has not been reported in the literature in individuals affected with NEFL-related conditions. This variant is not present in population databases (gnomAD no frequency). This sequence change replaces proline, which is neutral and non-polar, with alanine, which is neutral and non-polar, at codon 471 of the NEFL protein (p.Pro471Ala).